The following is an entry in ClinVar:

NM_005912.3(MC4R):c.968G>T (p.Gly323Val)

Gene: MC4R (melanocortin 4 receptor; minus strand). Cytogenetic location: 18q21.32.
Variant type: single nucleotide variant.
Coding change: c.968G>T on transcript NM_005912.3 (MANE Select); coding-DNA position 968, G replaced by T.
Protein change: p.Gly323Val; replaces glycine 323 with valine.
Molecular consequence: missense variant.
Genome position (GRCh38, 1-based): chr18:60,371,382, C>A on the plus strand (G>T on the coding strand, the complement: MC4R is on the minus strand). VCF-style: chr18-60371382-C-A. GRCh37 (hg19) VCF-style: chr18-58038615-C-A.
Other names: short protein forms G323V.
Identifiers: ClinVar variation 3353481 (VCV003353481.2).
Genomic context (GRCh38, chr18:60,371,382, plus strand): 5'-TGTTCCTATATTGCGTGCTCTGTCCCCATTTAATATCTGCTAGACAAGTCACAAAGGCCT[C>A]CCAGGGGATAGCAACAGATGATCTCTTTGAAGGTTTTCCTCAGTTCTTGACTCCGGAGTG-3'
Protein context (NP_005903.2, residues 313-332): FKEIICCYPL[Gly323Val]GLCDLSSRY

ClinVar aggregate classification (germline): Uncertain significance (1 of 4 stars; one submission).

Conditions:
MC4R-related disorder. Also called: MC4R-related condition.

Submission:

PreventionGenetics, part of Exact Sciences
Classification: Uncertain significance for MC4R-related condition. Last evaluated: 2026-04-28. Review status: criteria provided, single submitter. Criteria: ACMG Guidelines, 2015. Collection method: clinical testing. Allele origin: germline.
Comment: The MC4R c.968G>T variant is predicted to result in the amino acid substitution p.Gly323Val. To our knowledge, this variant has not been reported in the literature. This variant is reported in 0.018% of alleles in individuals of African descent in gnomAD. At this time, the clinical significance of this variant is uncertain due to the absence of conclusive functional and genetic evidence.